The following is an entry in ClinVar:

ClinVar aggregate classification (germline): Uncertain significance (1 of 4 stars; one submission).

Conditions:
Cardiovascular phenotype. Identifiers: MedGen CN230736.

Allele frequency attached by ClinVar (database versions not stated): gnomAD 0.00003.
gnomAD v4.1: 7 of 1,611,868 alleles (0.00043%); highest among the groups gnomAD compares: African/African-American, 0.008%; no homozygotes.

Submission:

Ambry Genetics
Classification: Uncertain significance for Cardiovascular phenotype. Last evaluated: 2019-06-13. Review status: criteria provided, single submitter. Criteria: Ambry Variant Classification Scheme 2023. Collection method: clinical testing. Allele origin: germline.
Comment: The p.V21247F variant (also known as c.63739G>T), located in coding exon 162 of the TTN gene, results from a G to T substitution at nucleotide position 63739. The valine at codon 21247 is replaced by phenylalanine, an amino acid with highly similar properties. This amino acid position is not well conserved in available vertebrate species. In addition, this alteration is predicted to be tolerated by BayesDel in silico analysis. Since supporting evidence is limited at this time, the clinical significance of this alteration remains unclear.

NM_001267550.2(TTN):c.90934G>T (p.Val30312Phe)

Genes: TTN (titin; minus strand), TTN-AS1 (TTN antisense RNA 1; plus strand). Cytogenetic location: 2q31.2.
Variant type: single nucleotide variant.
Coding change: c.90934G>T on transcript NM_001267550.2 (MANE Select); coding-DNA position 90934, G replaced by T.
Protein change: p.Val30312Phe; replaces valine 30312 with phenylalanine.
Molecular consequence: missense variant.
Genome position (GRCh38, 1-based): chr2:178,551,966, C>A on the plus strand (G>T on the coding strand, the complement: TTN is on the minus strand). VCF-style: chr2-178551966-C-A. GRCh37 (hg19) VCF-style: chr2-179416693-C-A.
Other names: c.86011G>T, p.Val28671Phe (NM_001256850.1); c.63739G>T, p.Val21247Phe (NM_003319.4); c.83230G>T, p.Val27744Phe (NM_133378.4); c.64114G>T, p.Val21372Phe (NM_133432.3); c.64315G>T, p.Val21439Phe (NM_133437.4); short protein forms V21247F, V21439F, V30312F, V28671F, V21372F, V27744F.
Identifiers: ClinVar variation 1753128 (VCV001753128.2), dbSNP rs750742292, ClinGen allele CA1987718.
Genomic context (GRCh38, chr2:178,551,966, plus strand): 5'-CTGGCTTTCCTGGGGGACCAGGAATCCTGAACTGGTGTTTTGCCACAATAATGCTTGAGA[C>A]AAGTGGTTGGCTGACTCCGTATCTGTTTTCTGCTCTCACTCTAAACTGGTACTCAGCATC-3'
Protein context (NP_001254479.2, residues 30302-30322): ENRYGVSQPL[Val30312Phe]SSIIVAKHQF